The following is an entry in ClinVar:

ClinVar aggregate classification (germline): Likely pathogenic (1 of 4 stars; one submission).

Conditions:
Dilated cardiomyopathy 1G (CMD1G). Identifiers: Orphanet 154, MedGen C1858763, MONDO:0011400, OMIM 604145.
Autosomal recessive limb-girdle muscular dystrophy type 2J (LGMDR10). Also called: Limb-girdle muscular dystrophy, type 2J; MUSCULAR DYSTROPHY, LIMB-GIRDLE, AUTOSOMAL RECESSIVE 10. Identifiers: Orphanet 140922, MedGen C1837342, MONDO:0012127, OMIM 608807.

Submission:

Labcorp Genetics (formerly Invitae), Labcorp
Classification: Likely pathogenic for Dilated cardiomyopathy 1G; Autosomal recessive limb-girdle muscular dystrophy type 2J. Last evaluated: 2024-07-08. Review status: criteria provided, single submitter. Criteria: Invitae Variant Classification Sherloc (09022015). Collection method: clinical testing. Allele origin: germline.
Comment: This sequence change creates a premature translational stop signal (p.Val1964Trpfs*14) in the TTN gene. While this is not anticipated to result in nonsense mediated decay, it is expected to create a truncated TTN protein. This variant is not present in population databases (gnomAD no frequency). This variant has not been reported in the literature in individuals affected with TTN-related conditions. This variant is located in the Z band of TTN (PMID: 25589632). Truncating variants in this region have been reported in individuals affected with autosomal recessive centronuclear myopathy (PMID: 33449170, Invitae internal data). Truncating variants in this region have also been identified in individuals affected with autosomal dominant dilated cardiomyopathy and/or cardio-related conditions (PMID: 27869827, 32964742, Invitae internal data). In summary, the currently available evidence indicates that the variant is pathogenic, but additional data are needed to prove that conclusively. Therefore, this variant has been classified as Likely Pathogenic.

Literature cited by the submitters: PubMed 25589632; PubMed 33449170; PubMed 27869827; PubMed 32964742.

NM_001267550.2(TTN):c.5890del (p.Val1964fs)

Gene: TTN (titin; minus strand). Cytogenetic location: 2q31.2.
Variant type: Deletion.
Coding change: c.5890del on transcript NM_001267550.2 (MANE Select); coding-DNA position 5890, one base deleted (G; older notation c.5890delG).
Protein change: p.Val1964fs; shifts the reading frame from valine 1964.
Molecular consequence: frameshift variant.
Genome position (GRCh38, 1-based): chr2:178,775,974, C deleted on the plus strand (G on the coding strand, the reverse complement: TTN is on the minus strand). VCF-style (leftmost placement, unchanged base first): chr2-178775973-AC-A. GRCh37 (hg19) VCF-style: chr2-179640700-AC-A.
Other names: c.5890del, p.Val1964fs (NM_001256850.1, NM_133378.4, NM_133379.5); c.5752del, p.Val1918fs (NM_003319.4, NM_133432.3, NM_133437.4); short protein forms V1918fs, V1964fs.
Identifiers: ClinVar variation 3757172 (VCV003757172.2).